The following is an entry in ClinVar:

NM_000179.3(MSH6):c.3745_3748del (p.Tyr1249fs)

Gene: MSH6 (mutS homolog 6; plus strand). Cytogenetic location: 2p16.3.
Variant type: Deletion.
Coding change: c.3745_3748del on transcript NM_000179.3 (MANE Select); coding-DNA positions 3745 to 3748, 4 bases deleted (TACC; older notation c.3745_3748delTACC).
Protein change: p.Tyr1249fs; shifts the reading frame from tyrosine 1249.
Molecular consequence: frameshift variant.
Genome position (GRCh38, 1-based): chr2:47,806,302-47,806,305, TACC deleted; deleting any 4 consecutive bases within chr2:47,806,301-47,806,305 gives the same sequence; the c. name uses the placement nearest the transcript's 3' end. VCF-style (leftmost placement, unchanged base first): chr2-47806300-ACTAC-A. GRCh37 (hg19) VCF-style: chr2-48033439-ACTAC-A.
Other names: c.3355_3358del, p.Tyr1119fs (NM_001281492.2); c.2839_2842del, p.Tyr947fs (NM_001281493.2, NM_001281494.2); c.3841_3844delTACC, p.Tyr1281Ilefs (NM_001406795.1, NM_001406802.1); c.3745_3748delTACC, p.Tyr1249Ilefs (NM_001406796.1, NM_001406800.1, NM_001406808.1 and 1 more transcripts); c.3448_3451delTACC, p.Tyr1150Ilefs (NM_001406797.1, NM_001406801.1, NM_001406805.1 and 10 more transcripts); c.3571_3574delTACC, p.Tyr1191Ilefs (NM_001406798.1); c.3220_3223delTACC, p.Tyr1074Ilefs (NM_001406799.1, NM_001406806.1, NM_001406807.1); c.2881_2884delTACC, p.Tyr961Ilefs (NM_001406803.1); and 8 more; short protein forms Y947fs, Y1119fs, Y1249fs.
Identifiers: ClinVar variation 1734501 (VCV001734501.2), dbSNP rs2530845167, ClinGen allele CA2580067313.
Genomic context (GRCh38, chr2:47,806,300, plus strand): 5'-CAAATGCAGTTGTTAAAGAACTTGCTGAGACTATAAAATGTCGTACATTATTTTCAACTC[ACTAC>A]CATTCATTAGTAGAAGATTATTCTCAAAATGTTGCTGTGCGCCTAGGACATATGGTATGT-3'

ClinVar aggregate classification (germline): Pathogenic (1 of 4 stars; one submission).

Conditions:
Hereditary cancer-predisposing syndrome. Also called: Neoplastic Syndromes, Hereditary; Tumor predisposition; Hereditary Cancer Syndrome; Hereditary neoplastic syndrome. Identifiers: Orphanet 140162, MedGen C0027672, MeSH D009386, MONDO:0015356.

Submission:

Ambry Genetics
Classification: Pathogenic for Hereditary cancer-predisposing syndrome. Last evaluated: 2021-07-21. Review status: criteria provided, single submitter. Criteria: Ambry Variant Classification Scheme 2023. Collection method: clinical testing. Allele origin: germline.
Comment: The c.3745_3748delTACC pathogenic mutation, located in coding exon 8 of the MSH6 gene, results from a deletion of 4 nucleotides at nucleotide positions 3745 to 3748, causing a translational frameshift with a predicted alternate stop codon (p.Y1249Ifs*3). This alteration is expected to result in loss of function by premature protein truncation or nonsense-mediated mRNA decay. As such, this alteration is interpreted as a disease-causing mutation.